The following is an entry in ClinVar:

NM_000138.5(FBN1):c.8536G>C (p.Glu2846Gln)

Gene: FBN1 (fibrillin 1; minus strand). Cytogenetic location: 15q21.1.
Variant type: single nucleotide variant.
Coding change: c.8536G>C on transcript NM_000138.5 (MANE Select); coding-DNA position 8536, G replaced by C.
Protein change: p.Glu2846Gln; replaces glutamic acid 2846 with glutamine.
Molecular consequence: missense variant.
Genome position (GRCh38, 1-based): chr15:48,411,070, C>G on the plus strand (G>C on the coding strand, the complement: FBN1 is on the minus strand). VCF-style: chr15-48411070-C-G. GRCh37 (hg19) VCF-style: chr15-48703267-C-G.
Other names: short protein forms E2846Q.
Identifiers: ClinVar variation 1470177 (VCV001470177.8), dbSNP rs1555393508, ClinGen allele CA392318626.

ClinVar aggregate classification (germline): Uncertain significance. Review status: criteria provided, multiple submitters, no conflicts (2 of 4 stars). 3 submissions from 3 submitters: Uncertain significance (3). Last evaluated 2025-10-07.

Conditions:
Marfan syndrome (MFS). Also called: MARFAN SYNDROME, TYPE I; Marfan syndrome type 1; Marfan's syndrome; Marfan syndrome, classic; FBN1-Related Marfan Syndrome. Identifiers: Orphanet 284963, Orphanet 558, MedGen C0024796, MONDO:0007947, OMIM 154700.
Familial thoracic aortic aneurysm and aortic dissection (TAAD). Also called: Thoracic aortic aneurysms and dissections. Identifiers: Orphanet 91387, MedGen C4707243, MONDO:0019625.

Submissions (3):

Labcorp Genetics (formerly Invitae), Labcorp
Classification: Uncertain significance for Marfan syndrome; Familial thoracic aortic aneurysm and aortic dissection. Last evaluated: 2025-10-07. Review status: criteria provided, single submitter. Criteria: Invitae Variant Classification Sherloc (09022015). Collection method: clinical testing. Allele origin: germline.
Comment: This sequence change replaces glutamic acid, which is acidic and polar, with glutamine, which is neutral and polar, at codon 2846 of the FBN1 protein (p.Glu2846Gln). This variant is not present in population databases (gnomAD no frequency). This variant has not been reported in the literature in individuals affected with FBN1-related conditions. ClinVar contains an entry for this variant (Variation ID: 1470177). Invitae Evidence Modeling of protein sequence and biophysical properties (such as structural, functional, and spatial information, amino acid conservation, physicochemical variation, residue mobility, and thermodynamic stability) indicates that this missense variant is not expected to disrupt FBN1 protein function with a negative predictive value of 95%. In summary, the available evidence is currently insufficient to determine the role of this variant in disease. Therefore, it has been classified as a Variant of Uncertain Significance.

Ambry Genetics
Classification: Uncertain significance for Familial thoracic aortic aneurysm and aortic dissection. Last evaluated: 2024-04-30. Review status: criteria provided, single submitter. Criteria: Ambry Variant Classification Scheme 2023. Collection method: clinical testing. Allele origin: germline.
Comment: The p.E2846Q variant (also known as c.8536G>C), located in coding exon 65 of the FBN1 gene, results from a G to C substitution at nucleotide position 8536. The glutamic acid at codon 2846 is replaced by glutamine, an amino acid with highly similar properties. This amino acid position is well conserved in available vertebrate species. In addition, the in silico prediction for this alteration is inconclusive. Based on the available evidence, the clinical significance of this variant remains unclear.

GeneDx
Classification: Uncertain significance. Last evaluated: 2022-06-06. Review status: criteria provided, single submitter. Criteria: GeneDx Variant Classification Process June 2021. Collection method: clinical testing. Allele origin: germline. Affected: yes.
Comment: Not observed at significant frequency in large population cohorts (gnomAD); In silico analysis supports that this missense variant does not alter protein structure/function; Does not affect a cysteine residue within a calcium-binding EGF-like domain of the FBN1 gene; cysteine substitutions in the calcium-binding EGF-like domains represent the majority of pathogenic missense changes associated with FBN1-related disorders (Collod-Beroud et al., 2003); Has not been previously published as pathogenic or benign to our knowledge; This variant is associated with the following publications: (PMID: 12938084)